The following is an entry in ClinVar:

ClinVar aggregate classification (germline): Likely benign (1 of 4 stars; one submission).

gnomAD v4.1: 117 of 1,613,712 alleles (0.0073%); highest among the groups gnomAD compares: Middle Eastern, 0.049%; no homozygotes.

Submission:

Mayo Clinic Laboratories, Mayo Clinic
Classification: Likely benign. Last evaluated: 2024-12-24. Review status: criteria provided, single submitter. Criteria: ACMG Guidelines, 2015. Collection method: clinical testing. Allele origin: germline. Observed: 1 variant allele.
Comment: BS2, BP4

Literature cited by the submitters: PubMed 29865074.

NM_012268.4(PLD3):c.1270C>T (p.Arg424Cys)

Gene: PLD3 (phospholipase D family member 3; plus strand). Cytogenetic location: 19q13.2.
Variant type: single nucleotide variant.
Coding change: c.1270C>T on transcript NM_012268.4 (MANE Select); coding-DNA position 1270, C replaced by T.
Protein change: p.Arg424Cys; replaces arginine 424 with cysteine.
Molecular consequence: missense variant.
Genome position (GRCh38, 1-based): chr19:40,377,870, C>T. VCF-style: chr19-40377870-C-T. GRCh37 (hg19) VCF-style: chr19-40883777-C-T.
Other names: p.Arg424Cys; c.1270C>T, p.Arg424Cys (NM_001031696.4, NM_001291311.2); short protein forms R424C.
Identifiers: ClinVar variation 4684375 (VCV004684375.1).